The following is an entry in ClinVar:

NM_002471.4(MYH6):c.1779C>A (p.Gly593=)

Gene: MYH6 (myosin heavy chain 6; minus strand). Cytogenetic location: 14q11.2.
Variant type: single nucleotide variant.
Coding change: c.1779C>A on transcript NM_002471.4 (MANE Select); coding-DNA position 1779, C replaced by A.
Protein change: p.Gly593=; no amino-acid change (glycine 593 retained).
Molecular consequence: synonymous variant.
Genome position (GRCh38, 1-based): chr14:23,398,840, G>T on the plus strand (C>A on the coding strand, the complement: MYH6 is on the minus strand). VCF-style: chr14-23398840-G-T. GRCh37 (hg19) VCF-style: chr14-23868049-G-T.
Identifiers: ClinVar variation 44456 (VCV000044456.15), dbSNP rs190996339, ClinGen allele CA134254.

ClinVar aggregate classification (germline): Benign/Likely benign. Review status: criteria provided, multiple submitters, no conflicts (2 of 4 stars). 4 submissions from 4 submitters: Benign (1); Likely benign (3). Last evaluated 2025-10-28.

Conditions:
Cardiovascular phenotype. Identifiers: MedGen CN230736.
Hypertrophic cardiomyopathy 14. Identifiers: MedGen C2750467, MONDO:0013197, OMIM 613251.

Allele frequency attached by ClinVar (database versions not stated): TOPMed 0.00002; gnomAD exomes 0.00030 and 0.00069; 1000 Genomes Project 30x 0.00047; ExAC 0.00047; 1000 Genomes Project 0.00060; gnomAD 0.00062 and 0.00065.
gnomAD v4.1: 521 of 1,614,184 alleles (0.032%); highest among the groups gnomAD compares: South Asian, 0.015%; 4 homozygotes.

Submissions (4):

Labcorp Genetics (formerly Invitae), Labcorp
Classification: Benign for Hypertrophic cardiomyopathy 14. Last evaluated: 2025-10-28. Review status: criteria provided, single submitter. Criteria: Invitae Variant Classification Sherloc (09022015). Collection method: clinical testing. Allele origin: germline.

Blueprint Genetics
Classification: Likely benign. Last evaluated: 2024-03-14. Review status: criteria provided, single submitter. Criteria: ACMG Guidelines, 2015. Collection method: clinical testing. Allele origin: germline.

Ambry Genetics
Classification: Likely benign for Cardiovascular phenotype. Last evaluated: 2022-02-03. Review status: criteria provided, single submitter. Criteria: Ambry Variant Classification Scheme 2023. Collection method: clinical testing. Allele origin: germline.

Laboratory for Molecular Medicine, Mass General Brigham Personalized Medicine
Classification: Likely benign. Last evaluated: 2012-08-09. Review status: criteria provided, single submitter. Criteria: LMM Criteria. Collection method: clinical testing. Allele origin: germline. Observed: 1 variant allele.
Comment: Gly593Gly in exon 15 of MYH6: This variant is not expected to have clinical sign ificance because it does not alter an amino acid residue and is not located with in the splice consensus sequence. It has been identified in 1.6% (3/186) of Finn ish chromosomes in 1000 genomes population and is listed in dbSNP (rs190996339). Gly593Gly in exon 15 of MYH6 (rs190996339; allele frequency = 1.6%, 3/186)